The following is an entry in ClinVar:

ClinVar aggregate classification (germline): Pathogenic (1 of 4 stars; one submission).

Conditions:
Rare genetic deafness. Identifiers: Orphanet 96210, MedGen C5680250.

Submission:

Laboratory for Molecular Medicine, Mass General Brigham Personalized Medicine
Classification: Pathogenic for Rare genetic deafness. Last evaluated: 2018-10-31. Review status: criteria provided, single submitter. Criteria: LMM Criteria. Collection method: clinical testing. Allele origin: germline. Inheritance: Autosomal recessive inheritance. Observed: 2 variant alleles.
Comment: This deletion encompasses exon 5 of the TMC1 gene; however it should be noted th at exact breakpoints cannot be determined due to technical limitations of the as say. The TMC1 gene contains 24 exons, and the first 4 exons are non-coding. A su ch, exon 5 is the first coding exon of this gene. A similar deletion encompassin g exons 4-5 has been previously reported in the homozygous state in 1 individual with hearing loss, and segregated in an affected sibling (Kurima 2002). In addi tion, several deletions affecting TMC1 are reported in ClinVar, including a dele tion encompassing exons 2-18 (ClinVar variation ID 253561). There are 6 chromoso mes harboring deletions of this exon in ExAC, including 4/32850 European chromos omes, and a deletion of this exon has been also reported in 1/2504 samples in th e Database of Genomic Variants (DGV Variant esv3620645). The deletion impacts ex on 5 is first coding exon and is expected to result in absence of protein expres sion. In summary, this variant meets criteria to be classified as pathogenic for autosomal recessive nonsyndromic sensorineural hearing loss. ACMG/AMP criteria applied: PVS1, PM3, PM2_Supporting.

Literature cited by the submitters: PubMed 11850618.

NC_000009.12:g.(?_72648590)_(72648670_?)del

Gene: TMC1 (transmembrane channel like 1; plus strand). Cytogenetic location: 9q21.13.
Variant type: Deletion.
Identifiers: ClinVar variation 666999 (VCV000666999.4).